The following is an entry in ClinVar:

NM_005188.4(CBL):c.1562A>C (p.Lys521Thr)

Gene: CBL (Cbl proto-oncogene; plus strand). Cytogenetic location: 11q23.3.
Variant type: single nucleotide variant.
Coding change: c.1562A>C on transcript NM_005188.4 (MANE Select); coding-DNA position 1562, A replaced by C.
Protein change: p.Lys521Thr; replaces lysine 521 with threonine.
Molecular consequence: missense variant.
Genome position (GRCh38, 1-based): chr11:119,285,099, A>C. VCF-style: chr11-119285099-A-C. GRCh37 (hg19) VCF-style: chr11-119155809-A-C.
Other names: short protein forms K521T.
Identifiers: ClinVar variation 3652388 (VCV003652388.2).
Genomic context (GRCh38, chr11:119,285,099, plus strand): 5'-ACCTTCTGCCGCAGCGAGTATGTGTTCCCTCAAGTGCTTCTGCTCTTGGAACTGCTTCTA[A>C]GGTAAAGCATTTTCCATTACTGCAGTTTTTGGATTCTTTGCTGTGTACTAGTGGGTTTTT-3'
Protein context (NP_005179.2, residues 511-531): SSASALGTAS[Lys521Thr]AASGSLHKDK

ClinVar aggregate classification (germline): Uncertain significance (1 of 4 stars; one submission).

Conditions:
RASopathy. Also called: rasopathies; Noonan spectrum disorder. Identifiers: Orphanet 536391, MedGen C5555857, MONDO:0021060.

Submission:

Labcorp Genetics (formerly Invitae), Labcorp
Classification: Uncertain significance for RASopathy. Last evaluated: 2024-05-07. Review status: criteria provided, single submitter. Criteria: Invitae Variant Classification Sherloc (09022015). Collection method: clinical testing. Allele origin: germline.
Comment: This sequence change replaces lysine, which is basic and polar, with threonine, which is neutral and polar, at codon 521 of the CBL protein (p.Lys521Thr). This variant is not present in population databases (gnomAD no frequency). This variant has not been reported in the literature in individuals affected with CBL-related conditions. An algorithm developed to predict the effect of missense changes on protein structure and function (PolyPhen-2) suggests that this variant is likely to be disruptive. In summary, the available evidence is currently insufficient to determine the role of this variant in disease. Therefore, it has been classified as a Variant of Uncertain Significance.